The following is an entry in ClinVar:

NM_001205293.3(CACNA1E):c.6455C>G (p.Pro2152Arg)

Gene: CACNA1E (calcium voltage-gated channel subunit alpha1 E; plus strand). Cytogenetic location: 1q25.3.
Variant type: single nucleotide variant.
Coding change: c.6455C>G on transcript NM_001205293.3 (MANE Select); coding-DNA position 6455, C replaced by G.
Protein change: p.Pro2152Arg; replaces proline 2152 with arginine.
Molecular consequence: missense variant.
Genome position (GRCh38, 1-based): chr1:181,798,347, C>G. VCF-style: chr1-181798347-C-G. GRCh37 (hg19) VCF-style: chr1-181767483-C-G.
Other names: c.6326C>G, p.Pro2109Arg (NM_000721.4); c.6269C>G, p.Pro2090Arg (NM_001205294.2); short protein forms P2090R, P2109R, P2152R.
Identifiers: ClinVar variation 1326571 (VCV001326571.2), dbSNP rs2102910062, ClinGen allele CA343844836.

ClinVar aggregate classification (germline): Uncertain significance (1 of 4 stars; one submission).

Submission:

GeneDx
Classification: Uncertain significance. Last evaluated: 2021-04-14. Review status: criteria provided, single submitter. Criteria: GeneDx Variant Classification Process June 2021. Collection method: clinical testing. Allele origin: germline. Affected: yes.
Comment: Not observed in large population cohorts (Lek et al., 2016); In silico analysis supports that this missense variant has a deleterious effect on protein structure/function; Has not been previously published as pathogenic or benign to our knowledge